The following is an entry in ClinVar:

NM_000143.4(FH):c.1462G>A (p.Glu488Lys)

Gene: FH (fumarate hydratase; minus strand). Cytogenetic location: 1q43.
Variant type: single nucleotide variant.
Coding change: c.1462G>A on transcript NM_000143.4 (MANE Select); coding-DNA position 1462, G replaced by A.
Protein change: p.Glu488Lys; replaces glutamic acid 488 with lysine.
Molecular consequence: missense variant.
Genome position (GRCh38, 1-based): chr1:241,497,899, C>T on the plus strand (G>A on the coding strand, the complement: FH is on the minus strand). VCF-style: chr1-241497899-C-T. GRCh37 (hg19) VCF-style: chr1-241661199-C-T.
Other names: short protein forms E488K.
Identifiers: ClinVar variation 237110 (VCV000237110.27), dbSNP rs201115573, ClinGen allele CA1478433.

ClinVar aggregate classification (germline): Conflicting classifications of pathogenicity. Review status: criteria provided, conflicting classifications (1 of 4 stars). 6 submissions from 6 submitters: Uncertain significance (5); Likely benign (1). Last evaluated 2025-12-29.

Conditions:
Hereditary cancer-predisposing syndrome. Also called: Tumor predisposition; Hereditary Cancer Syndrome; Hereditary neoplastic syndrome; Neoplastic Syndromes, Hereditary. Identifiers: Orphanet 140162, MedGen C0027672, MeSH D009386, MONDO:0015356.
Fumarase deficiency (FMRD). Also called: Fumarate Hydratase Deficiency; Fumaric aciduria. Identifiers: Orphanet 24, MedGen C0342770, MONDO:0011730, OMIM 606812.

Allele frequency attached by ClinVar (database versions not stated): ExAC 0.00001; gnomAD exomes 0.00002 and 0.00005; gnomAD 0.00003; TOPMed 0.00003.
gnomAD v4.1: 70 of 1,613,456 alleles (0.0043%); highest among the groups gnomAD compares: South Asian, 0.0055%; no homozygotes.

Submissions (6):

Labcorp Genetics (formerly Invitae), Labcorp
Classification: Uncertain significance. Last evaluated: 2025-12-29. Review status: criteria provided, single submitter. Criteria: Invitae Variant Classification Sherloc (09022015). Collection method: clinical testing. Allele origin: germline.
Comment: This sequence change replaces glutamic acid, which is acidic and polar, with lysine, which is basic and polar, at codon 488 of the FH protein (p.Glu488Lys). This variant is present in population databases (rs201115573, gnomAD 0.004%). This variant has not been reported in the literature in individuals affected with FH-related conditions. ClinVar contains an entry for this variant (Variation ID: 237110). Invitae Evidence Modeling of protein sequence and biophysical properties (such as structural, functional, and spatial information, amino acid conservation, physicochemical variation, residue mobility, and thermodynamic stability) indicates that this missense variant is not expected to disrupt FH protein function with a negative predictive value of 95%. In summary, the available evidence is currently insufficient to determine the role of this variant in disease. Therefore, it has been classified as a Variant of Uncertain Significance.

Quest Diagnostics Nichols Institute San Juan Capistrano
Classification: Uncertain significance. Last evaluated: 2025-07-14. Review status: criteria provided, single submitter. Criteria: Quest Diagnostics criteria. Collection method: clinical testing. Allele origin: unknown.
Comment: The FH c.1462G>A (p.Glu488Lys) variant has been reported in the published literature in the somatic state in individuals with upper tract urothelial carcinoma (PMID: 32332851 (2020)), and uterine leiomyoma (PMID: 32612247 (2020)). The frequency of this variant in the general population (Genome Aggregation Database) is uninformative in the assessment of its pathogenicity. Analysis of this variant using bioinformatics tools for the prediction of the effect of amino acid changes on protein structure and function yielded predictions that this variant is benign. Based on the available information, we are unable to determine the clinical significance of this variant.

Baylor Genetics
Classification: Uncertain significance for Fumarase deficiency. Last evaluated: 2024-03-01. Review status: criteria provided, single submitter. Criteria: ACMG Guidelines, 2015. Collection method: clinical testing. Allele origin: unknown.

GeneDx
Classification: Uncertain significance. Last evaluated: 2022-10-19. Review status: criteria provided, single submitter. Criteria: GeneDx Variant Classification Process June 2021. Collection method: clinical testing. Allele origin: germline. Affected: yes.
Comment: Not observed at significant frequency in large population cohorts (gnomAD); In silico analysis supports that this missense variant does not alter protein structure/function; Has not been previously published as pathogenic or benign to our knowledge

Ambry Genetics
Classification: Likely benign for Hereditary cancer-predisposing syndrome. Last evaluated: 2021-12-30. Review status: criteria provided, single submitter. Criteria: Ambry Variant Classification Scheme 2023. Collection method: clinical testing. Allele origin: germline.

ARUP Laboratories, Molecular Genetics and Genomics, ARUP Laboratories
Classification: Uncertain significance. Last evaluated: 2019-02-23. Review status: criteria provided, single submitter. Criteria: ARUP Molecular Germline Variant Investigation Process. Collection method: clinical testing. Allele origin: germline.
Comment: The FH c.1462G>A; p.Glu488Lys variant (rs201115573) is reported as uncertain in ClinVar (Variation ID: 237110). This variant is found in the general population with an overall allele frequency of 0.002% (6/281518 alleles) in the Genome Aggregation Database. The glutamate at codon 488 is weakly conserved, and computational analyses (SIFT, PolyPhen-2) predict that this variant is tolerated. However, given the lack of clinical and functional data, the significance of this variant is uncertain at this time.

Literature cited by the submitters: PubMed 32612247 (cited by Quest Diagnostics Nichols Institute San Juan Capistrano); PubMed 32332851 (cited by Quest Diagnostics Nichols Institute San Juan Capistrano).